The following is an entry in ClinVar:

ClinVar aggregate classification (germline): Conflicting classifications of pathogenicity. Review status: criteria provided, conflicting classifications (1 of 4 stars). 2 submissions from 2 submitters: Uncertain significance (1); Likely benign (1). Last evaluated 2025-04-10.

Conditions:
Pure or complex autosomal recessive spastic paraplegia. Identifiers: Orphanet 320346, MedGen C5679887, MONDO:0017915.

Allele frequency attached by ClinVar (database versions not stated): gnomAD 0.00001; gnomAD exomes 0.00001; ExAC 0.00002; TOPMed 0.00002.
gnomAD v4.1: 21 of 1,609,264 alleles (0.0013%); highest among the groups gnomAD compares: Admixed American, 0.032%; no homozygotes.

Submissions (2):

Ambry Genetics
Classification: Likely benign. Last evaluated: 2025-04-10. Review status: criteria provided, single submitter. Criteria: Ambry Variant Classification Scheme 2023. Collection method: clinical testing. Allele origin: germline.

Labcorp Genetics (formerly Invitae), Labcorp
Classification: Uncertain significance for Pure or complex autosomal recessive spastic paraplegia. Last evaluated: 2024-05-15. Review status: criteria provided, single submitter. Criteria: Invitae Variant Classification Sherloc (09022015). Collection method: clinical testing. Allele origin: germline.
Comment: This sequence change replaces alanine, which is neutral and non-polar, with threonine, which is neutral and polar, at codon 517 of the ZFR protein (p.Ala517Thr). This variant is present in population databases (rs779031634, gnomAD 0.04%). This variant has not been reported in the literature in individuals affected with ZFR-related conditions. Algorithms developed to predict the effect of missense changes on protein structure and function output the following: SIFT: "Not Available"; PolyPhen-2: "Not Available"; Align-GVGD: "Not Available". The threonine amino acid residue is found in multiple mammalian species, which suggests that this missense change does not adversely affect protein function. In summary, the available evidence is currently insufficient to determine the role of this variant in disease. Therefore, it has been classified as a Variant of Uncertain Significance.

NM_016107.5(ZFR):c.1549G>A (p.Ala517Thr)

Gene: ZFR (zinc finger RNA binding protein; minus strand). Cytogenetic location: 5p13.3.
Variant type: single nucleotide variant.
Coding change: c.1549G>A on transcript NM_016107.5 (MANE Select); coding-DNA position 1549, G replaced by A.
Protein change: p.Ala517Thr; replaces alanine 517 with threonine.
Molecular consequence: missense variant. On other transcripts: non-coding transcript variant (1).
Genome position (GRCh38, 1-based): chr5:32,400,171, C>T on the plus strand (G>A on the coding strand, the complement: ZFR is on the minus strand). VCF-style: chr5-32400171-C-T. GRCh37 (hg19) VCF-style: chr5-32400276-C-T.
Other names: c.1549G>A (NM_016107.3); short protein forms A517T.
Identifiers: ClinVar variation 2718416 (VCV002718416.4), dbSNP rs779031634, ClinGen allele CA3221790.
Genomic context (GRCh38, chr5:32,400,171, plus strand): 5'-TCTGCACAGCAGAAGTGACAGGAGTACTTTTAACACATTCGGTTCCTTTTATGTCTTCTG[C>T]TTTATTTCCTGTTGACTGCAGCTTATTACCACCTAGAAAAGTATCAAAAAGTTAAAAAAA-3'
Protein context (NP_057191.2, residues 507-527): GNKLQSTGNK[Ala517Thr]EDIKGTECVK